The following is an entry in ClinVar:

ClinVar aggregate classification (germline): Uncertain significance (1 of 4 stars; one submission).

Conditions:
Neurofibromatosis, type 1 (NF1). Also called: VON RECKLINGHAUSEN DISEASE; NEUROFIBROMATOSIS, TYPE I, SOMATIC; Peripheral type neurofibromatosis; Neurofibromatosis, type I. Identifiers: Orphanet 636, MedGen C0027831, MONDO:0018975, OMIM 162200. Disease mechanism: loss of function.

Submission:

Labcorp Genetics (formerly Invitae), Labcorp
Classification: Uncertain significance for Neurofibromatosis, type 1. Last evaluated: 2024-10-24. Review status: criteria provided, single submitter. Criteria: Invitae Variant Classification Sherloc (09022015). Collection method: clinical testing. Allele origin: germline.
Comment: This sequence change replaces glycine, which is neutral and non-polar, with arginine, which is basic and polar, at codon 655 of the NF1 protein (p.Gly655Arg). This variant is not present in population databases (gnomAD no frequency). This variant has not been reported in the literature in individuals affected with NF1-related conditions. ClinVar contains an entry for this variant (Variation ID: 1045644). Invitae Evidence Modeling of protein sequence and biophysical properties (such as structural, functional, and spatial information, amino acid conservation, physicochemical variation, residue mobility, and thermodynamic stability) indicates that this missense variant is not expected to disrupt NF1 protein function with a negative predictive value of 95%. In summary, the available evidence is currently insufficient to determine the role of this variant in disease. Therefore, it has been classified as a Variant of Uncertain Significance.

NM_001042492.3(NF1):c.1963G>C (p.Gly655Arg)

Gene: NF1 (neurofibromin 1; plus strand). Cytogenetic location: 17q11.2.
Variant type: single nucleotide variant.
Coding change: c.1963G>C on transcript NM_001042492.3 (MANE Select); coding-DNA position 1963, G replaced by C.
Protein change: p.Gly655Arg; replaces glycine 655 with arginine.
Molecular consequence: missense variant.
Genome position (GRCh38, 1-based): chr17:31,225,212, G>C. VCF-style: chr17-31225212-G-C. GRCh37 (hg19) VCF-style: chr17-29552230-G-C.
Other names: c.1963G>C, p.Gly655Arg (NM_000267.4); short protein forms G655R.
Identifiers: ClinVar variation 1045644 (VCV001045644.5), dbSNP rs2066993000, ClinGen allele CA399005523.